The following is an entry in ClinVar:

NM_004700.4(KCNQ4):c.1958G>T (p.Gly653Val)

Gene: KCNQ4 (potassium voltage-gated channel subfamily Q member 4; plus strand). Cytogenetic location: 1p34.2.
Variant type: single nucleotide variant.
Coding change: c.1958G>T on transcript NM_004700.4 (MANE Select); coding-DNA position 1958, G replaced by T.
Protein change: p.Gly653Val; replaces glycine 653 with valine.
Molecular consequence: missense variant.
Genome position (GRCh38, 1-based): chr1:40,838,393, G>T. VCF-style: chr1-40838393-G-T. GRCh37 (hg19) VCF-style: chr1-41304065-G-T.
Other names: c.1796G>T, p.Gly599Val (NM_172163.3); short protein forms G653V, G599V.
Identifiers: ClinVar variation 1525764 (VCV001525764.8), dbSNP rs1309895147, ClinGen allele CA339890838.

ClinVar aggregate classification (germline): Uncertain significance (1 of 4 stars; one submission).

Allele frequency attached by ClinVar (database versions not stated): gnomAD exomes below 0.00001.
gnomAD v4.1: 1 of 1,614,064 alleles (0.000062%); highest among the groups gnomAD compares: Admixed American, 0.0017%; no homozygotes.

Submission:

Labcorp Genetics (formerly Invitae), Labcorp
Classification: Uncertain significance. Last evaluated: 2021-06-07. Review status: criteria provided, single submitter. Criteria: Invitae Variant Classification Sherloc (09022015). Collection method: clinical testing. Allele origin: germline.
Comment: This variant is not present in population databases (ExAC no frequency). This sequence change replaces glycine with valine at codon 653 of the KCNQ4 protein (p.Gly653Val). The glycine residue is moderately conserved and there is a moderate physicochemical difference between glycine and valine. This variant has not been reported in the literature in individuals with KCNQ4-related conditions. Advanced modeling of protein sequence and biophysical properties (such as structural, functional, and spatial information, amino acid conservation, physicochemical variation, residue mobility, and thermodynamic stability) performed at Invitae indicates that this missense variant is not expected to disrupt KCNQ4 protein function. In summary, the available evidence is currently insufficient to determine the role of this variant in disease. Therefore, it has been classified as a Variant of Uncertain Significance.